The following is an entry in ClinVar:

NM_182914.3(SYNE2):c.18142C>A (p.Pro6048Thr)

Gene: SYNE2 (spectrin repeat containing nuclear envelope protein 2; plus strand). Cytogenetic location: 14q23.2.
Variant type: single nucleotide variant.
Coding change: c.18142C>A on transcript NM_182914.3 (MANE Select); coding-DNA position 18142, C replaced by A.
Protein change: p.Pro6048Thr; replaces proline 6048 with threonine.
Molecular consequence: missense variant.
Genome position (GRCh38, 1-based): chr14:64,202,904, C>A. VCF-style: chr14-64202904-C-A. GRCh37 (hg19) VCF-style: chr14-64669622-C-A.
Other names: c.18142C>A, p.Pro6048Thr (NM_015180.6); short protein forms P6048T.
Identifiers: ClinVar variation 4767105 (VCV004767105.1).
Genomic context (GRCh38, chr14:64,202,904, plus strand): 5'-GACAAAAACATGAGCAACCTTCGCACCTGGTTGGCTCGAATTGAGTCTGAGCTTTCCAAG[C>A]CTGTTGTTTATGATGTCTGCGATGATCAAGAGATCCAGAAGAGGCTCGCTGAGCAGCAGG-3'
Protein context (NP_878918.2, residues 6038-6058): LARIESELSK[Pro6048Thr]VVYDVCDDQE

ClinVar aggregate classification (germline): Uncertain significance (1 of 4 stars; one submission).

Conditions:
Emery-Dreifuss muscular dystrophy 5, autosomal dominant (EDMD5). Also called: EMERY-DREIFUSS MUSCULAR DYSTROPHY 5. Identifiers: Orphanet 261, MedGen C2751805, MONDO:0013072, OMIM 612999.

Submission:

Labcorp Genetics (formerly Invitae), Labcorp
Classification: Uncertain significance for Emery-Dreifuss muscular dystrophy 5, autosomal dominant. Last evaluated: 2025-05-24. Review status: criteria provided, single submitter. Criteria: Invitae Variant Classification Sherloc (09022015). Collection method: clinical testing. Allele origin: germline.
Comment: This sequence change replaces proline, which is neutral and non-polar, with threonine, which is neutral and polar, at codon 6048 of the SYNE2 protein (p.Pro6048Thr). This variant is not present in population databases (gnomAD no frequency). This variant has not been reported in the literature in individuals affected with SYNE2-related conditions. An algorithm developed to predict the effect of missense changes on protein structure and function (PolyPhen-2) suggests that this variant is likely to be disruptive. In summary, the available evidence is currently insufficient to determine the role of this variant in disease. Therefore, it has been classified as a Variant of Uncertain Significance.